The following is an entry in ClinVar:

ClinVar aggregate classification (germline): Uncertain significance. Review status: criteria provided, multiple submitters, no conflicts (2 of 4 stars). 2 submissions from 2 submitters: Uncertain significance (2). Last evaluated 2025-04-13.

Conditions:
Cardiovascular phenotype. Identifiers: MedGen CN230736.
RASopathy. Also called: Noonan spectrum disorder; rasopathies. Identifiers: Orphanet 536391, MedGen C5555857, MONDO:0021060.

Allele frequency attached by ClinVar (database versions not stated): gnomAD exomes below 0.00001; gnomAD 0.00001.
gnomAD v4.1: 5 of 1,567,476 alleles (0.00032%); highest among the groups gnomAD compares: Admixed American, 0.0019%; no homozygotes.

Submissions (2):

Ambry Genetics
Classification: Uncertain significance for Cardiovascular phenotype. Last evaluated: 2025-04-13. Review status: criteria provided, single submitter. Criteria: Ambry Variant Classification Scheme 2023. Collection method: clinical testing. Allele origin: germline.

Labcorp Genetics (formerly Invitae), Labcorp
Classification: Uncertain significance for RASopathy. Last evaluated: 2022-11-08. Review status: criteria provided, single submitter. Criteria: Invitae Variant Classification Sherloc (09022015). Collection method: clinical testing. Allele origin: germline.
Comment: In summary, the available evidence is currently insufficient to determine the role of this variant in disease. Therefore, it has been classified as a Variant of Uncertain Significance. Advanced modeling of protein sequence and biophysical properties (such as structural, functional, and spatial information, amino acid conservation, physicochemical variation, residue mobility, and thermodynamic stability) has been performed at Invitae for this missense variant, however the output from this modeling did not meet the statistical confidence thresholds required to predict the impact of this variant on MAP2K2 protein function. This variant has not been reported in the literature in individuals affected with MAP2K2-related conditions. This variant is not present in population databases (gnomAD no frequency). This sequence change replaces alanine, which is neutral and non-polar, with valine, which is neutral and non-polar, at codon 358 of the MAP2K2 protein (p.Ala358Val).

NM_030662.4(MAP2K2):c.1073C>T (p.Ala358Val)

Gene: MAP2K2 (mitogen-activated protein kinase kinase 2; minus strand). Cytogenetic location: 19p13.3.
Variant type: single nucleotide variant.
Coding change: c.1073C>T on transcript NM_030662.4 (MANE Select); coding-DNA position 1073, C replaced by T.
Protein change: p.Ala358Val; replaces alanine 358 with valine.
Molecular consequence: missense variant.
Genome position (GRCh38, 1-based): chr19:4,094,472, G>A on the plus strand (C>T on the coding strand, the complement: MAP2K2 is on the minus strand). VCF-style: chr19-4094472-G-A. GRCh37 (hg19) VCF-style: chr19-4094470-G-A.
Other names: short protein forms A358V.
Identifiers: ClinVar variation 1963524 (VCV001963524.6), dbSNP rs2040885994, ClinGen allele CA403382473.
Genomic context (GRCh38, chr19:4,094,472, plus strand): 5'-CCTGCACCCTCCCGGTCCCAGAACCCGCTGGCATCACTCACTGTGAGCATCTTCAGGTCC[G>A]CCCGCTCCGCTGGGTTCTTGATGAGGCTGGGGGTTCCAAGAGGCAGGACCGGGAGGCGGT-3'
Protein context (NP_109587.1, residues 348-368): KCLIKNPAER[Ala358Val]DLKMLTNHTF